The following is an entry in ClinVar:

NM_001130144.3(LTBP3):c.3604_3605delinsGG (p.Leu1202Gly)

Gene: LTBP3 (latent transforming growth factor beta binding protein 3; minus strand). Cytogenetic location: 11q13.1.
Variant type: Indel.
Coding change: c.3604_3605delinsGG on transcript NM_001130144.3 (MANE Select); coding-DNA positions 3604 to 3605, CT replaced by GG.
Protein change: p.Leu1202Gly; replaces leucine 1202 with glycine.
Molecular consequence: missense variant.
Genome position (GRCh38, 1-based): chr11:65,539,571-65,539,572, AG replaced by CC on the plus strand (CT replaced by GG on the coding strand, the reverse complement: LTBP3 is on the minus strand). VCF-style: chr11-65539571-AG-CC. GRCh37 (hg19) VCF-style: chr11-65307042-AG-CC.
Other names: c.3112_3113delinsGG, p.Leu1038Gly (NM_001164266.1); c.3463_3464delinsGG, p.Leu1155Gly (NM_021070.4); short protein forms L1038G, L1155G, L1202G.
Identifiers: ClinVar variation 3625324 (VCV003625324.2).

ClinVar aggregate classification (germline): Uncertain significance (1 of 4 stars; one submission).

Conditions:
Brachyolmia-amelogenesis imperfecta syndrome. Also called: PLATYSPONDYLY WITH AMELOGENESIS IMPERFECTA; Tooth agenesis, selective, 6; Dental anomalies and short stature. Identifiers: Orphanet 2899, MedGen C1832594, MONDO:0011018, OMIM 601216. Disease mechanism: loss of function.

Submission:

Labcorp Genetics (formerly Invitae), Labcorp
Classification: Uncertain significance for Brachyolmia-amelogenesis imperfecta syndrome. Last evaluated: 2024-04-15. Review status: criteria provided, single submitter. Criteria: Invitae Variant Classification Sherloc (09022015). Collection method: clinical testing. Allele origin: germline.
Comment: This sequence change replaces leucine, which is neutral and non-polar, with glycine, which is neutral and non-polar, at codon 1202 of the LTBP3 protein (p.Leu1202Gly). Information on the frequency of this variant in the gnomAD database is not available, as this variant may be reported differently in the database. This variant has not been reported in the literature in individuals affected with LTBP3-related conditions. An algorithm developed to predict the effect of missense changes on protein structure and function (PolyPhen-2) suggests that this variant is likely to be disruptive. In summary, the available evidence is currently insufficient to determine the role of this variant in disease. Therefore, it has been classified as a Variant of Uncertain Significance.